The following is an entry in ClinVar:

NM_004820.5(CYP7B1):c.1457G>A (p.Arg486His)

Gene: CYP7B1 (cytochrome P450 family 7 subfamily B member 1; minus strand). Cytogenetic location: 8q12.3.
Variant type: single nucleotide variant.
Coding change: c.1457G>A on transcript NM_004820.5 (MANE Select); coding-DNA position 1457, G replaced by A.
Protein change: p.Arg486His; replaces arginine 486 with histidine.
Molecular consequence: missense variant. On other transcripts: intron variant (1).
Genome position (GRCh38, 1-based): chr8:64,596,706, C>T on the plus strand (G>A on the coding strand, the complement: CYP7B1 is on the minus strand). VCF-style: chr8-64596706-C-T. GRCh37 (hg19) VCF-style: chr8-65509263-C-T.
Other names: c.1457G>A (NM_004820.4); c.1234-6862G>A (NM_001324112.2); short protein forms R486H.
Identifiers: ClinVar variation 962151 (VCV000962151.9), dbSNP rs755729966, ClinGen allele CA4763978.
Genomic context (GRCh38, chr8:64,596,706, plus strand): 5'-GATTTCACTTTGTATCTAAATAAAACATCAGAATCTGGATACTGAATACCAAACAACAAG[C>T]GGCTGTAGTTTAGTCCTATGGGCTTATCATCAATTATTTCTAAATCAAAATAAGTTAAAA-3'
Protein context (NP_004811.1, residues 476-496): DDKPIGLNYS[Arg486His]LLFGIQYPDS

ClinVar aggregate classification (germline): Conflicting classifications of pathogenicity. Review status: criteria provided, conflicting classifications (1 of 4 stars). 4 submissions from 4 submitters: Likely pathogenic (1); Uncertain significance (3). Last evaluated 2026-09-20.

Conditions:
Spastic paraplegia. Identifiers: MedGen C0037772, HP:0001258.
CYP7B1-related disorder. Also called: CYP7B1-related condition.
Congenital bile acid synthesis defect 3. Identifiers: Orphanet 79302, MedGen C3151147, MONDO:0013439, OMIM 613812.
Hereditary spastic paraplegia 5A (SPG5A). Also called: SPASTIC PARAPLEGIA 5A, AUTOSOMAL RECESSIVE. Identifiers: Orphanet 100986, MedGen C1849115, MONDO:0010047, OMIM 270800.

Allele frequency attached by ClinVar (database versions not stated): gnomAD exomes 0.00002; ExAC 0.00003; TOPMed 0.00010; gnomAD 0.00013 and 0.00014.
gnomAD v4.1: 84 of 1,613,238 alleles (0.0052%); highest among the groups gnomAD compares: African/African-American, 0.031%; no homozygotes.

Submissions (4):

PreventionGenetics, part of Exact Sciences
Classification: Uncertain significance for CYP7B1-related condition. Last evaluated: 2026-09-20. Review status: criteria provided, single submitter. Criteria: ACMG Guidelines, 2015. Collection method: clinical testing. Allele origin: germline.
Comment: The CYP7B1 c.1457G>A variant is predicted to result in the amino acid substitution p.Arg486His. To our knowledge, this variant has not been reported in the literature. An alternate missense change at the same amino acid position (p.Arg486Cys) has been reported in either the homozygous state or compound heterozygous state in multiple individuals with spastic paraplegia (Goizet et al. 2009. PubMed ID: 19439420; Schlipf et al. 2011. PubMed ID: 21623769; Roos et al. 2014. PubMed ID: 24117163; Kumar et al. 2013. PubMed ID: 23812641). The c.1457G>A (p.Arg486His) variant is reported in 0.020% of alleles in individuals of African descent in gnomAD. At this time, the clinical significance of this variant is uncertain due to the absence of conclusive functional and genetic evidence.

Labcorp Genetics (formerly Invitae), Labcorp
Classification: Likely pathogenic for Spastic paraplegia. Last evaluated: 2025-10-25. Review status: criteria provided, single submitter. Criteria: Invitae Variant Classification Sherloc (09022015). Collection method: clinical testing. Allele origin: germline.
Comment: This sequence change replaces arginine, which is basic and polar, with histidine, which is basic and polar, at codon 486 of the CYP7B1 protein (p.Arg486His). This variant is present in population databases (rs755729966, gnomAD 0.02%). This variant has not been reported in the literature in individuals affected with CYP7B1-related conditions. ClinVar contains an entry for this variant (Variation ID: 962151). Invitae Evidence Modeling of protein sequence and biophysical properties (such as structural, functional, and spatial information, amino acid conservation, physicochemical variation, residue mobility, and thermodynamic stability) indicates that this missense variant is expected to disrupt CYP7B1 protein function with a positive predictive value of 95%. This variant disrupts the p.Arg486 amino acid residue in CYP7B1. Other variant(s) that disrupt this residue have been determined to be pathogenic (PMID: 19439420, 21623769, 23812641, 24117163). This suggests that this residue is clinically significant, and that variants that disrupt this residue are likely to be disease-causing. In summary, the currently available evidence indicates that the variant is pathogenic, but additional data are needed to prove that conclusively. Therefore, this variant has been classified as Likely Pathogenic.

Fulgent Genetics
Classification: Uncertain significance for Hereditary spastic paraplegia 5A; Congenital bile acid synthesis defect 3. Last evaluated: 2022-03-09. Review status: criteria provided, single submitter. Criteria: ACMG Guidelines, 2015. Collection method: clinical testing. Allele origin: unknown.

Baylor Genetics
Classification: Uncertain significance for Congenital bile acid synthesis defect 3. Last evaluated: 2019-07-05. Review status: criteria provided, single submitter. Criteria: ACMG Guidelines, 2015. Collection method: clinical testing. Allele origin: unknown. Affected: yes.
Comment: This variant was determined to be of uncertain significance according to ACMG Guidelines, 2015 [PMID:25741868].

Literature cited by the submitters: PubMed 19439420 (cited by Labcorp Genetics (formerly Invitae), Labcorp); PubMed 21623769 (cited by Labcorp Genetics (formerly Invitae), Labcorp); PubMed 23812641 (cited by Labcorp Genetics (formerly Invitae), Labcorp); PubMed 24117163 (cited by Labcorp Genetics (formerly Invitae), Labcorp).